The following is an entry in ClinVar:

NM_000038.6(APC):c.5498G>A (p.Arg1833Lys)

Gene: APC (APC regulator of Wnt signaling pathway; plus strand). Cytogenetic location: 5q22.2.
Variant type: single nucleotide variant.
Coding change: c.5498G>A on transcript NM_000038.6 (MANE Select); coding-DNA position 5498, G replaced by A.
Protein change: p.Arg1833Lys; replaces arginine 1833 with lysine.
Molecular consequence: missense variant. On other transcripts: non-coding transcript variant (2).
Genome position (GRCh38, 1-based): chr5:112,841,092, G>A. VCF-style: chr5-112841092-G-A. GRCh37 (hg19) VCF-style: chr5-112176789-G-A.
Other names: c.5498G>A, p.Arg1833Lys (NM_001127510.3, NM_001354895.2, NM_001407450.1); c.5444G>A, p.Arg1815Lys (NM_001127511.3); c.5552G>A, p.Arg1851Lys (NM_001354896.2, NM_001407447.1, NM_001407448.1 and 1 more transcripts); c.5528G>A, p.Arg1843Lys (NM_001354897.2); c.5423G>A, p.Arg1808Lys (NM_001354898.2); c.5414G>A, p.Arg1805Lys (NM_001354899.2); c.5375G>A, p.Arg1792Lys (NM_001354900.2); c.5321G>A, p.Arg1774Lys (NM_001354901.2, NM_001407453.1); and 11 more; short protein forms R1449K, R1742K, R1750K, R1792K, R1826K, R1550K, R1732K, R1823K.
Identifiers: ClinVar variation 3408422 (VCV003408422.2).
Genomic context (GRCh38, chr5:112,841,092, plus strand): 5'-AACAGAATTTGAAAAATAATTCCAAGGTCTTCAATGATAAGCTCCCAAATAATGAAGATA[G>A]AGTCAGAGGAAGTTTTGCTTTTGATTCACCTCATCATTACACGCCTATTGAAGGAACTCC-3'
Protein context (NP_000029.2, residues 1823-1843): FNDKLPNNED[Arg1833Lys]VRGSFAFDSP

ClinVar aggregate classification (germline): Uncertain significance. Review status: criteria provided, multiple submitters, no conflicts (2 of 4 stars). 2 submissions from 2 submitters: Uncertain significance (2). Last evaluated 2025-12-13.

Conditions:
Hereditary cancer-predisposing syndrome. Also called: Neoplastic Syndromes, Hereditary; Tumor predisposition; Hereditary Cancer Syndrome; Hereditary neoplastic syndrome. Identifiers: Orphanet 140162, MedGen C0027672, MeSH D009386, MONDO:0015356.
Familial adenomatous polyposis 1 (FAP1). Also called: FAMILIAL ADENOMATOUS POLYPOSIS 1, ATTENUATED; POLYPOSIS, ADENOMATOUS INTESTINAL. Identifiers: MedGen C2713442, MONDO:0021056, OMIM 175100. Disease mechanism: loss of function.

Submissions (2):

Labcorp Genetics (formerly Invitae), Labcorp
Classification: Uncertain significance for Familial adenomatous polyposis 1. Last evaluated: 2025-12-13. Review status: criteria provided, single submitter. Criteria: Invitae Variant Classification Sherloc (09022015). Collection method: clinical testing. Allele origin: germline.
Comment: This sequence change replaces arginine, which is basic and polar, with lysine, which is basic and polar, at codon 1833 of the APC protein (p.Arg1833Lys). This variant is not present in population databases (gnomAD no frequency). This variant has not been reported in the literature in individuals affected with APC-related conditions. ClinVar contains an entry for this variant (Variation ID: 3408422). Invitae Evidence Modeling of protein sequence and biophysical properties (such as structural, functional, and spatial information, amino acid conservation, physicochemical variation, residue mobility, and thermodynamic stability) indicates that this missense variant is not expected to disrupt APC protein function with a negative predictive value of 95%. In summary, the available evidence is currently insufficient to determine the role of this variant in disease. Therefore, it has been classified as a Variant of Uncertain Significance.

Ambry Genetics
Classification: Uncertain significance for Hereditary cancer-predisposing syndrome. Last evaluated: 2024-10-19. Review status: criteria provided, single submitter. Criteria: Ambry Variant Classification Scheme 2023. Collection method: clinical testing. Allele origin: germline.
Comment: The p.R1833K variant (also known as c.5498G>A), located in coding exon 15 of the APC gene, results from a G to A substitution at nucleotide position 5498. The arginine at codon 1833 is replaced by lysine, an amino acid with highly similar properties. This amino acid position is highly conserved in available vertebrate species. In addition, in silico predictors for this gene do not accurately predict pathogenicity. Missense alterations in APC are not a common cause of disease (Spier I et al. Genet Med. 2024 Feb;26(2):100992). Based on the available evidence, the clinical significance of this variant remains unclear.